The following is an entry in ClinVar:

ClinVar aggregate classification (germline): Uncertain significance (1 of 4 stars; one submission).

gnomAD v4.1: 1 of 1,613,330 alleles (0.000062%); highest among the groups gnomAD compares: Non-Finnish European, 0.000085%; no homozygotes.

Submission:

Labcorp Genetics (formerly Invitae), Labcorp
Classification: Uncertain significance. Last evaluated: 2024-05-29. Review status: criteria provided, single submitter. Criteria: Invitae Variant Classification Sherloc (09022015). Collection method: clinical testing. Allele origin: germline.
Comment: This sequence change replaces isoleucine, which is neutral and non-polar, with valine, which is neutral and non-polar, at codon 199 of the POLR1C protein (p.Ile199Val). This variant is not present in population databases (gnomAD no frequency). This variant has not been reported in the literature in individuals affected with POLR1C-related conditions. Advanced modeling of protein sequence and biophysical properties (such as structural, functional, and spatial information, amino acid conservation, physicochemical variation, residue mobility, and thermodynamic stability) performed at Invitae indicates that this missense variant is not expected to disrupt POLR1C protein function with a negative predictive value of 80%. In summary, the available evidence is currently insufficient to determine the role of this variant in disease. Therefore, it has been classified as a Variant of Uncertain Significance.

NM_203290.4(POLR1C):c.595A>G (p.Ile199Val)

Gene: POLR1C (RNA polymerase I and III subunit C; plus strand). Cytogenetic location: 6p21.1.
Variant type: single nucleotide variant.
Coding change: c.595A>G on transcript NM_203290.4 (MANE Select); coding-DNA position 595, A replaced by G.
Protein change: p.Ile199Val; replaces isoleucine 199 with valine.
Molecular consequence: missense variant.
Genome position (GRCh38, 1-based): chr6:43,520,367, A>G. VCF-style: chr6-43520367-A-G. GRCh37 (hg19) VCF-style: chr6-43488105-A-G.
Other names: c.595A>G, p.Ile199Val (NM_001318876.2, NM_001363658.2); short protein forms I199V.
Identifiers: ClinVar variation 2811595 (VCV002811595.3), dbSNP rs1050387497, ClinGen allele CA364283967.